The following is an entry in ClinVar:

ClinVar aggregate classification (germline): Uncertain significance (1 of 4 stars; one submission).

Conditions:
Mucopolysaccharidosis, MPS-IV-A (MPS4A). Also called: Mucopolysaccharidosis type IV A; Mucopolysaccharidosis Type IVA; Morquio syndrome A, mild; MORQUIO SYNDROME A; MPS IVA; mucopolysaccharidosis type 4A. Identifiers: Orphanet 309297, Orphanet 582, MedGen C0086651, MONDO:0009659, OMIM 253000.

gnomAD v4.1: 8 of 1,613,418 alleles (0.0005%); highest among the groups gnomAD compares: Non-Finnish European, 0.00059%; no homozygotes.

Submission:

Laboratory of Diagnosis and Therapy of Lysosomal Disorders, University of Padova
Classification: Uncertain significance for Mucopolysaccharidosis, MPS-IV-A. Last evaluated: 2021-02-01. Review status: criteria provided, single submitter. Criteria: ACMG Guidelines, 2015. Collection method: research. Allele origin: germline.
Comment: Absent from gnomAD v2.1.1 (PM2_moderate); multiple lines of computational evidence support a deleterious effect on the gene (PP3_supporting)

Literature cited by the submitters: PubMed 34387910.

NM_000512.5(GALNS):c.131G>T (p.Gly44Val)

Gene: GALNS (galactosamine (N-acetyl)-6-sulfatase; minus strand). Cytogenetic location: 16q24.3.
Variant type: single nucleotide variant.
Coding change: c.131G>T on transcript NM_000512.5 (MANE Select); coding-DNA position 131, G replaced by T.
Protein change: p.Gly44Val; replaces glycine 44 with valine.
Molecular consequence: missense variant. On other transcripts: intron variant (1).
Genome position (GRCh38, 1-based): chr16:88,842,819, C>A on the plus strand (G>T on the coding strand, the complement: GALNS is on the minus strand). VCF-style: chr16-88842819-C-A. GRCh37 (hg19) VCF-style: chr16-88909227-C-A.
Other names: c.149G>T, p.Gly50Val (NM_001323544.2); c.-311-848G>T (NM_001323543.2); short protein forms G44V, G50V.
Identifiers: ClinVar variation 1048381 (VCV001048381.3), dbSNP rs1237852382, ClinGen allele CA397092123.